The following is an entry in ClinVar:

NM_020458.4(TTC7A):c.2515G>A (p.Ala839Thr)

Gene: TTC7A (tetratricopeptide repeat domain 7A; plus strand). Cytogenetic location: 2p21.
Variant type: single nucleotide variant.
Coding change: c.2515G>A on transcript NM_020458.4 (MANE Select); coding-DNA position 2515, G replaced by A.
Protein change: p.Ala839Thr; replaces alanine 839 with threonine.
Molecular consequence: missense variant.
Genome position (GRCh38, 1-based): chr2:47,073,861, G>A. VCF-style: chr2-47073861-G-A. GRCh37 (hg19) VCF-style: chr2-47301000-G-A.
Other names: c.2587G>A, p.Ala863Thr (NM_001288951.2); c.2413G>A, p.Ala805Thr (NM_001288953.2); c.1453G>A, p.Ala485Thr (NM_001288955.2); c.2515G>A, p.Ala839Thr (LRG_1323t1); short protein forms A805T, A863T, A839T, A485T.
Identifiers: ClinVar variation 440891 (VCV000440891.15), dbSNP rs202044972, ClinGen allele CA46634960.
Genomic context (GRCh38, chr2:47,073,861, plus strand): 5'-CTGGGCGAGGTGCTGCAGGCCCAGGGCCAGAACGAGGCTGCCGTTGACTGCTTCCTCACC[G>A]CCCTTGAGCTGGAGGCCAGCAGCCCTGTACTGCCCTTCTCCATCATCCCCAGAGAGCTCT-3'
Protein context (NP_065191.2, residues 829-849): NEAAVDCFLT[Ala839Thr]LELEASSPVL

ClinVar aggregate classification (germline): Uncertain significance. Review status: criteria provided, multiple submitters, no conflicts (2 of 4 stars). 3 submissions from 3 submitters: Uncertain significance (2). 1 of the submissions does not count toward it. Last evaluated 2026-03-09.

Conditions:
Gastrointestinal defects and immunodeficiency syndrome 1 (GIDID1). Also called: Combined immunodeficiency-enteropathy spectrum. Identifiers: Orphanet 436252, MedGen C5968858, MONDO:0800030, OMIM 243150.
Multiple gastrointestinal atresias. Also called: FAMILIAL INTESTINAL POLYATRESIA SYNDROME; Multiple intestinal atresia. Identifiers: Orphanet 2300, MedGen C0220744, MONDO:0009465.

Allele frequency attached by ClinVar (database versions not stated): gnomAD 0.00001; gnomAD exomes 0.00001 and 0.00002; 1000 Genomes Project 30x 0.00016; 1000 Genomes Project 0.00020.
gnomAD v4.1: 19 of 1,613,650 alleles (0.0012%); highest among the groups gnomAD compares: East Asian, 0.0067%; no homozygotes.

Submissions (3):

Women's Health and Genetics/Laboratory Corporation of America, LabCorp
Classification: Uncertain significance. Last evaluated: 2026-03-09. Review status: criteria provided, single submitter. Criteria: LabCorp Variant Classification Summary - May 2015. Collection method: clinical testing. Allele origin: germline.
Comment: Variant summary: TTC7A c.2515G>A (p.Ala839Thr) results in a non-conservative amino acid change in the encoded protein sequence. Algorithms developed to predict the effect of missense changes on protein structure and function all suggest that this variant is likely to be disruptive. The variant allele was found at a frequency of 2e-05 in 250996 control chromosomes. The available data on variant occurrences in the general population are insufficient to allow any conclusion about variant significance. c.2515G>A has been observed in individual(s) affected with Gastrointestinal Defects And Immunodeficiency Syndrome. These report(s) do not provide unequivocal conclusions about association of the variant with Gastrointestinal Defects And Immunodeficiency Syndrome. To our knowledge, no experimental evidence demonstrating an impact on protein function has been reported. The following publication have been ascertained in the context of this evaluation (PMID: 29174094). ClinVar contains an entry for this variant (Variation ID: 440891). Based on the evidence outlined above, the variant was classified as uncertain significance.

Labcorp Genetics (formerly Invitae), Labcorp
Classification: Uncertain significance for Multiple gastrointestinal atresias. Last evaluated: 2024-02-24. Review status: criteria provided, single submitter. Criteria: Invitae Variant Classification Sherloc (09022015). Collection method: clinical testing. Allele origin: germline.
Comment: This sequence change replaces alanine, which is neutral and non-polar, with threonine, which is neutral and polar, at codon 839 of the TTC7A protein (p.Ala839Thr). This variant is present in population databases (rs202044972, gnomAD 0.003%). This missense change has been observed in individual(s) with gastrointestinal defects and immunodeficiency syndrome (PMID: 29174094). ClinVar contains an entry for this variant (Variation ID: 440891). Advanced modeling of protein sequence and biophysical properties (such as structural, functional, and spatial information, amino acid conservation, physicochemical variation, residue mobility, and thermodynamic stability) performed at Invitae indicates that this missense variant is expected to disrupt TTC7A protein function with a positive predictive value of 80%. In summary, the available evidence is currently insufficient to determine the role of this variant in disease. Therefore, it has been classified as a Variant of Uncertain Significance.

OMIM
Classification: Pathogenic for GASTROINTESTINAL DEFECTS AND IMMUNODEFICIENCY SYNDROME 1. Last evaluated: 2022-01-24. Review status: no assertion criteria provided. Collection method: literature only. Allele origin: germline. Not counted in ClinVar's aggregate classification.

Literature cited by the submitters: PubMed 29174094 (cited by 3 submitters).